The following is an entry in ClinVar:

ClinVar aggregate classification (germline): Pathogenic (1 of 4 stars; one submission).

Conditions:
Hereditary nonpolyposis colorectal neoplasms. Identifiers: MedGen C0009405, MeSH D003123.

Submission:

Labcorp Genetics (formerly Invitae), Labcorp
Classification: Pathogenic for Hereditary nonpolyposis colorectal neoplasms. Last evaluated: 2022-10-31. Review status: criteria provided, single submitter. Criteria: Invitae Variant Classification Sherloc (09022015). Collection method: clinical testing. Allele origin: germline.
Comment: This variant is a gross deletion of the genomic region encompassing exon(s) 1 of the PMS2 gene, which includes the initiator codon. This deletion extends beyond the assayed region for this gene and therefore may encompass additional genes. It is expected to result in an absent or disrupted protein product. Loss-of-function variants in PMS2 are known to be pathogenic (PMID: 21376568, 24362816). A similar copy number variant has been observed in individual(s) with colorectal cancer (PMID: 18602922, 18809606, 24068316). In at least one individual the data is consistent with being in trans (on the opposite chromosome) from a pathogenic variant. For these reasons, this variant has been classified as Pathogenic.

Literature cited by the submitters: PubMed 21376568; PubMed 24362816; PubMed 18602922; PubMed 18809606; PubMed 24068316.

NC_000007.14:g.(?_6008925)_(6009468_?)del

Genes: AIMP2 (aminoacyl tRNA synthetase complex interacting multifunctional protein 2; plus strand), PMS2 (PMS1 homolog 2, mismatch repair system component; minus strand). Cytogenetic location: 7p22.1.
Variant type: Deletion.
Identifiers: ClinVar variation 831202 (VCV000831202.2).